The following is an entry in ClinVar:

NM_002734.5(PRKAR1A):c.441-6_441-5del

Gene: PRKAR1A (protein kinase cAMP-dependent type I regulatory subunit alpha; plus strand). Cytogenetic location: 17q24.2.
Variant type: Deletion.
Coding change: c.441-6_441-5del on transcript NM_002734.5 (MANE Select); 6 bases into the intron before coding-DNA position 441 through 5 bases into the intron before coding-DNA position 441, 2 bases deleted (TT; older notation c.441-6_441-5delTT).
Molecular consequence: intron variant.
Genome position (GRCh38, 1-based): chr17:68,524,010-68,524,011, TT deleted; deleting any 2 consecutive bases within chr17:68,524,008-68,524,011 gives the same sequence; the c. name uses the placement nearest the transcript's 3' end. VCF-style (leftmost placement, unchanged base first): chr17-68524007-CTT-C. GRCh37 (hg19) VCF-style: chr17-66520148-CTT-C.
Other names: c.441-6_441-5del (NM_001278433.2, NM_001369389.1, NM_212471.3 and 4 more transcripts).
Identifiers: ClinVar variation 3425064 (VCV003425064.3).

ClinVar aggregate classification (germline): Conflicting classifications of pathogenicity. Review status: criteria provided, conflicting classifications (1 of 4 stars). 2 submissions from 2 submitters: Uncertain significance (1); Likely benign (1). Last evaluated 2024-09-22.

Conditions:
Hereditary cancer-predisposing syndrome. Also called: Neoplastic Syndromes, Hereditary; Tumor predisposition; Hereditary Cancer Syndrome; Hereditary neoplastic syndrome. Identifiers: Orphanet 140162, MedGen C0027672, MeSH D009386, MONDO:0015356.
Carney complex, type 1 (CNC1). Also called: CARNEY MYXOMA-ENDOCRINE COMPLEX; CARNEY COMPLEX, TYPE I. Identifiers: Orphanet 1359, MedGen C2607929, MONDO:0008057, OMIM 160980.

Submissions (2):

Ambry Genetics
Classification: Uncertain significance for Hereditary cancer-predisposing syndrome. Last evaluated: 2024-09-22. Review status: criteria provided, single submitter. Criteria: Ambry Variant Classification Scheme 2023. Collection method: clinical testing. Allele origin: germline.
Comment: The c.441-6_441-5delTT intronic variant, located in intron 3 of the PRKAR1A gene, results from a deletion of two nucleotides within intron 3 of the PRKAR1A gene. This nucleotide region is not well conserved in available vertebrate species. In silico splice site analysis predicts that this alteration may result in the creation or strengthening of a novel splice acceptor site. Based on the available evidence, the clinical significance of this variant remains unclear.

Labcorp Genetics (formerly Invitae), Labcorp
Classification: Likely benign for Carney complex, type 1. Last evaluated: 2024-04-01. Review status: criteria provided, single submitter. Criteria: Invitae Variant Classification Sherloc (09022015). Collection method: clinical testing. Allele origin: germline.